The following is an entry in ClinVar:

NM_021076.4(NEFH):c.964C>T (p.Arg322Trp)

Gene: NEFH (neurofilament heavy chain; plus strand). Cytogenetic location: 22q12.2.
Variant type: single nucleotide variant.
Coding change: c.964C>T on transcript NM_021076.4 (MANE Select); coding-DNA position 964, C replaced by T.
Protein change: p.Arg322Trp; replaces arginine 322 with tryptophan.
Molecular consequence: missense variant.
Genome position (GRCh38, 1-based): chr22:29,483,455, C>T. VCF-style: chr22-29483455-C-T. GRCh37 (hg19) VCF-style: chr22-29879444-C-T.
Other names: c.964C>T (NM_021076.3); short protein forms R322W.
Identifiers: ClinVar variation 2721799 (VCV002721799.4), dbSNP rs778265423, ClinGen allele CA10174077.
Genomic context (GRCh38, chr22:29,483,455, plus strand): 5'-GAGGCAGCCAAGGTGAACACAGACGCTATGCGCTCAGCGCAGGAGGAGATAACTGAGTAC[C>T]GGCGTCAGCTGCAGGCCAGGACCACAGAGCTGGAGGCACTGAAAAGCACCAAGGACTCAC-3'
Protein context (NP_066554.2, residues 312-332): RSAQEEITEY[Arg322Trp]RQLQARTTEL

ClinVar aggregate classification (germline): Uncertain significance. Review status: criteria provided, multiple submitters, no conflicts (2 of 4 stars). 2 submissions from 2 submitters: Uncertain significance (2). Last evaluated 2026-01-10.

Conditions:
NEFH-related disorder. Also called: NEFH-related condition.

Allele frequency attached by ClinVar (database versions not stated): ExAC 0.00001; gnomAD 0.00002; gnomAD exomes 0.00002; TOPMed 0.00003.
gnomAD v4.1: 34 of 1,613,888 alleles (0.0021%); highest among the groups gnomAD compares: Admixed American, 0.012%; no homozygotes.

Submissions (2):

PreventionGenetics, part of Exact Sciences
Classification: Uncertain significance for NEFH-related condition. Last evaluated: 2026-01-10. Review status: criteria provided, single submitter. Criteria: ACMG Guidelines, 2015. Collection method: clinical testing. Allele origin: germline.
Comment: The NEFH c.964C>T variant is predicted to result in the amino acid substitution p.Arg322Trp. To our knowledge, this variant has not been reported in the literature. This variant is reported in 0.0087% of alleles in individuals of Latino descent in gnomAD. At this time, the clinical significance of this variant is uncertain due to the absence of conclusive functional and genetic evidence.

Labcorp Genetics (formerly Invitae), Labcorp
Classification: Uncertain significance. Last evaluated: 2025-10-12. Review status: criteria provided, single submitter. Criteria: Invitae Variant Classification Sherloc (09022015). Collection method: clinical testing. Allele origin: germline.
Comment: This sequence change replaces arginine, which is basic and polar, with tryptophan, which is neutral and slightly polar, at codon 322 of the NEFH protein (p.Arg322Trp). This variant is present in population databases (rs778265423, gnomAD 0.009%). This variant has not been reported in the literature in individuals affected with NEFH-related conditions. ClinVar contains an entry for this variant (Variation ID: 2721799). Experimental studies and prediction algorithms are not available or were not evaluated, and the functional significance of this variant is currently unknown. In summary, the available evidence is currently insufficient to determine the role of this variant in disease. Therefore, it has been classified as a Variant of Uncertain Significance.